The following is an entry in ClinVar:

ClinVar aggregate classification (germline): Conflicting classifications of pathogenicity. Review status: criteria provided, conflicting classifications (1 of 4 stars). 3 submissions from 3 submitters: Likely pathogenic (2); Uncertain significance (1). Last evaluated 2024-03-13.

Conditions:
Sclerosteosis 2 (SOST2). Identifiers: Orphanet 3152, MedGen C3280402, MONDO:0013679, OMIM 614305.
Cenani-Lenz syndactyly syndrome. Also called: SYNDACTYLY, TYPE VII; CENANI SYNDACTYLISM. Identifiers: Orphanet 3258, MedGen C1859309, MONDO:0008931, OMIM 212780.
Congenital myasthenic syndrome 17. Identifiers: Orphanet 590, MedGen C4225377, MONDO:0014578, OMIM 616304.

Allele frequency attached by ClinVar (database versions not stated): ExAC 0.00001; gnomAD exomes 0.00001; TOPMed 0.00001; ESP Exome Variant Server 0.00008.
gnomAD v4.1: 10 of 1,614,070 alleles (0.00062%); highest among the groups gnomAD compares: Non-Finnish European, 0.00076%; no homozygotes.

Submissions (3):

Fulgent Genetics
Classification: Likely pathogenic for Cenani-Lenz syndactyly syndrome; Sclerosteosis 2; Congenital myasthenic syndrome 17. Last evaluated: 2024-03-13. Review status: criteria provided, single submitter. Criteria: ACMG Guidelines, 2015. Collection method: clinical testing. Allele origin: germline.

Labcorp Genetics (formerly Invitae), Labcorp
Classification: Uncertain significance for Cenani-Lenz syndactyly syndrome; Sclerosteosis 2; Congenital myasthenic syndrome 17. Last evaluated: 2023-08-05. Review status: criteria provided, single submitter. Criteria: Invitae Variant Classification Sherloc (09022015). Collection method: clinical testing. Allele origin: germline.
Comment: In summary, the available evidence is currently insufficient to determine the role of this variant in disease. Therefore, it has been classified as a Variant of Uncertain Significance. Experimental studies have shown that this missense change affects LRP4 function (PMID: 34857885). Advanced modeling of protein sequence and biophysical properties (such as structural, functional, and spatial information, amino acid conservation, physicochemical variation, residue mobility, and thermodynamic stability) performed at Invitae indicates that this missense variant is expected to disrupt LRP4 protein function. ClinVar contains an entry for this variant (Variation ID: 1519697). This missense change has been observed in individual(s) with Cenani-Lenz syndactyly syndrome (PMID: 34857885). It has also been observed to segregate with disease in related individuals. This variant is present in population databases (rs371763360, gnomAD 0.007%). This sequence change replaces arginine, which is basic and polar, with tryptophan, which is neutral and slightly polar, at codon 545 of the LRP4 protein (p.Arg545Trp).

GeneDx
Classification: Likely pathogenic. Last evaluated: 2023-03-23. Review status: criteria provided, single submitter. Criteria: GeneDx Variant Classification Process June 2021. Collection method: clinical testing. Allele origin: germline. Affected: yes.
Comment: Published functional studies demonstrate a damaging effect with this variant observed to decrease canonical WNT signaling inhibition via in vitro studies (Khan, 20220; In silico analysis supports that this missense variant has a deleterious effect on protein structure/function; This variant is associated with the following publications: (PMID: 34857885)

Literature cited by the submitters: PubMed 34857885 (cited by Labcorp Genetics (formerly Invitae), Labcorp).

NM_002334.4(LRP4):c.1633C>T (p.Arg545Trp)

Gene: LRP4 (LDL receptor related protein 4; minus strand). Cytogenetic location: 11p11.2.
Variant type: single nucleotide variant.
Coding change: c.1633C>T on transcript NM_002334.4 (MANE Select); coding-DNA position 1633, C replaced by T.
Protein change: p.Arg545Trp; replaces arginine 545 with tryptophan.
Molecular consequence: missense variant.
Genome position (GRCh38, 1-based): chr11:46,893,037, G>A on the plus strand (C>T on the coding strand, the complement: LRP4 is on the minus strand). VCF-style: chr11-46893037-G-A. GRCh37 (hg19) VCF-style: chr11-46914588-G-A.
Other names: c.1633C>T (NM_002334.3); short protein forms R545W.
Identifiers: ClinVar variation 1519697 (VCV001519697.7), dbSNP rs371763360, ClinGen allele CA5970099.